The following is an entry in ClinVar:

ClinVar aggregate classification (germline): Pathogenic (1 of 4 stars; one submission).

Allele frequency attached by ClinVar (database versions not stated): TOPMed below 0.00001; gnomAD exomes 0.00001; gnomAD 0.00002.

Submission:

Labcorp Genetics (formerly Invitae), Labcorp
Classification: Pathogenic. Last evaluated: 2023-12-25. Review status: criteria provided, single submitter. Criteria: Invitae Variant Classification Sherloc (09022015). Collection method: clinical testing. Allele origin: germline.
Comment: This sequence change creates a premature translational stop signal (p.Gln44Hisfs*2) in the CFD gene. It is expected to result in an absent or disrupted protein product. Loss-of-function variants in CFD are known to be pathogenic (PMID: 11724962). This variant is present in population databases (no rsID available, gnomAD 0.01%). This variant has not been reported in the literature in individuals affected with CFD-related conditions. For these reasons, this variant has been classified as Pathogenic.

Literature cited by the submitters: PubMed 11724962.

NM_001928.4(CFD):c.132del (p.Gln44fs)

Gene: CFD (complement factor D; plus strand). Cytogenetic location: 19p13.3.
Variant type: Deletion.
Coding change: c.132del on transcript NM_001928.4 (MANE Select); coding-DNA position 132, one base deleted (G; older notation c.132delG).
Protein change: p.Gln44fs; shifts the reading frame from glutamine 44.
Molecular consequence: frameshift variant.
Genome position (GRCh38, 1-based): chr19:860,693, G deleted. VCF-style (leftmost placement, unchanged base first): chr19-860692-AG-A. GRCh37 (hg19) VCF-style: chr19-860692-AG-A.
Other names: c.153del, p.Gln51fs (NM_001317335.2); short protein forms Q44fs, Q51fs.
Identifiers: ClinVar variation 2900060 (VCV002900060.3), dbSNP rs1290545249, ClinGen allele CA631295265.